The following is an entry in ClinVar:

ClinVar aggregate classification (germline): Likely pathogenic. Review status: reviewed by expert panel (3 of 4 stars). 7 submissions from 7 submitters: Likely pathogenic (1). 6 of the submissions do not count toward it. Last evaluated 2026-01-04.

Conditions:
Breast cancer, susceptibility to. Identifiers: MedGen C3469522. Disease mechanism: gain of function.
Hereditary breast ovarian cancer syndrome. Also called: Hereditary breast and ovarian cancer syndrome; Hereditary breast and/or ovarian cancer syndrome; Hereditary breast and ovarian cancer; Hereditary breast and ovarian cancer syndrome (HBOC); Breast and ovarian cancer; BRCA1- and BRCA2-Associated Hereditary Breast and Ovarian Cancer. Identifiers: Orphanet 145, MedGen C0677776, MeSH D061325, MONDO:0003582. Disease mechanism: loss of function.
Fanconi anemia complementation group D1. Also called: BRCA2-Related Fanconi Anemia. Identifiers: Orphanet 319462, MedGen C1838457, MONDO:0011584, OMIM 605724.
Familial cancer of breast. Also called: Hereditary breast cancer; hereditary breast carcinoma; BREAST CANCER, FAMILIAL. Identifiers: Orphanet 227535, MedGen C0346153, MONDO:0016419, OMIM 114480. Disease mechanism: loss of function.
Breast-ovarian cancer, familial, susceptibility to, 2 (BROVCA2). Also called: BRCA2 Hereditary Breast and Ovarian Cancer. Identifiers: Orphanet 145, MedGen C2675520, MONDO:0012933, OMIM 612555. Disease mechanism: loss of function.
Wilms tumor 1 (WT1). Also called: Wilms tumor, somatic. Identifiers: Orphanet 654, MedGen CN033288, MONDO:0008679, OMIM 194070.
Pancreatic cancer, susceptibility to, 2. Identifiers: Orphanet 1333, MedGen C3150546, MONDO:0013235, OMIM 613347.
Glioma susceptibility 3 (GLM3). Also called: Glioblastoma 3. Identifiers: Orphanet 182067, Orphanet 360, MedGen C2751641, MONDO:0013093, OMIM 613029.
Medulloblastoma (MDB). Also called: MEDULLOBLASTOMA PREDISPOSITION SYNDROME; Medulloblastoma, somatic. Identifiers: Orphanet 616, MedGen C0025149, MeSH D008527, MONDO:0007959, OMIM 155255, HP:0002885.
Familial prostate cancer. Also called: Hereditary Prostate Cancer. Identifiers: MedGen C2931456, MONDO:0700275, OMIM 176807.
BRCA2-related cancer predisposition. Identifiers: MedGen CN377758, MONDO:0700269.
Hereditary cancer-predisposing syndrome. Also called: Tumor predisposition; Hereditary neoplastic syndrome; Neoplastic Syndromes, Hereditary; Hereditary Cancer Syndrome. Identifiers: Orphanet 140162, MedGen C0027672, MeSH D009386, MONDO:0015356.

Allele frequency attached by ClinVar (database versions not stated): gnomAD exomes below 0.00001.
gnomAD v4.1: 1 of 1,614,150 alleles (0.000062%); highest among the groups gnomAD compares: East Asian, 0.0022%; no homozygotes.

Submissions (7):

ClinGen ENIGMA BRCA1 and BRCA2 Variant Curation Expert Panel, ClinGen
Classification: Likely pathogenic for BRCA2-related cancer predisposition. Last evaluated: 2026-01-04. Review status: reviewed by expert panel. Criteria: CSpec BRCA12ACMG Rules Specifications V1.1. Collection method: curation. Allele origin: germline. Inheritance: Autosomal dominant inheritance.
Comment: The c.8165C>T variant in BRCA2 is a missense variant predicted to cause substitution of Threonine by Isoleucine at amino acid 2722 (p.(Thr2722Ile)). This variant is absent from gnomAD v2.1 (exomes only, non-cancer subset, read depth ≥25) and gnomAD v3.1 (non-cancer subset, read depth ≥25) (PM2_Supporting met). Reported by four calibrated studies to exhibit protein function similar to pathogenic control variants (PMIDs:38417439, 39779857, 39779848, 37713444) (PS3 met). This BRCA2 missense variant is within a key functional domain and the computational predictor BayesDel (noAF) gives a score of 0.42, above the recommended threshold of 0.30 for prediction of impact on BRCA2 function via protein change. A SpliceAI score of 0 predicts no impact on splicing (score threshold <0.10) (PP3 met). Multifactorial likelihood ratio analysis using clinically calibrated data produced a combined LR for this variant of 3.09 (based on Co-occurrence LR=1.1; Family History LR=2.8), within the thresholds for supporting evidence towards pathogenicity (LR >2.08 & ≤4.3) (PP4 met; PMID: 31131967). In summary, this variant meets the criteria to be classified as a Likely pathogenic variant for BRCA2-related cancer predisposition based on the ACMG/AMP criteria applied as specified by the ENIGMA BRCA1/2 VCEP (PM2_Supporting, PS3, PP3, PP4).

Labcorp Genetics (formerly Invitae), Labcorp
Classification: Likely pathogenic for Hereditary breast ovarian cancer syndrome. Last evaluated: 2025-11-04. Review status: criteria provided, single submitter. Criteria: Invitae Variant Classification Sherloc (09022015). Collection method: clinical testing. Allele origin: germline. Not counted in ClinVar's aggregate classification.
Comment: This sequence change replaces threonine, which is neutral and polar, with isoleucine, which is neutral and non-polar, at codon 2722 of the BRCA2 protein (p.Thr2722Ile). This variant is not present in population databases (gnomAD no frequency). This missense change has been observed in individual(s) with a personal or family history of breast and/or ovarian cancer (PMID: 28111427, 30039884, 34645131). ClinVar contains an entry for this variant (Variation ID: 545487). Invitae Evidence Modeling incorporating data from in vitro experimental studies (PMID: 33609447) indicates that this missense variant is expected to disrupt BRCA2 function with a positive predictive value of 95%. Experimental studies have shown that this missense change affects BRCA2 function (PMID: 33609447). This variant disrupts the p.Thr2722 amino acid residue in BRCA2. Other variant(s) that disrupt this residue have been determined to be pathogenic (PMID: 12145750, 18451181, 18607349, 23108138, 25146914). This suggests that this residue is clinically significant, and that variants that disrupt this residue are likely to be disease-causing. In summary, the currently available evidence indicates that the variant is pathogenic, but additional data are needed to prove that conclusively. Therefore, this variant has been classified as Likely Pathogenic.

Ambry Genetics
Classification: Likely pathogenic for Hereditary cancer-predisposing syndrome. Last evaluated: 2025-07-18. Review status: criteria provided, single submitter. Criteria: Ambry Variant Classification Scheme 2023. Collection method: clinical testing. Allele origin: germline. Not counted in ClinVar's aggregate classification.
Comment: The p.T2722I variant (also known as c.8165C>T), located in coding exon 17 of the BRCA2 gene, results from a C to T substitution at nucleotide position 8165. The threonine at codon 2722 is replaced by isoleucine, an amino acid with similar properties. This alteration has been reported in multiple cohorts of Korean hereditary breast and ovarian cancer (HBOC) individuals (Park JS et al. Cancer Res Treat, 2017 Jan; Bang YJ et al. Cancer Res Treat, 2021 Oct;:). This variant was non-functional in a homology-directed DNA repair (HDR) assay (Richardson ME et al Am J Hum Genet. 2021 03;108(3):458-468). Two saturation genome editing-based studies, including a haploid cell-survival assay and a humanized mouse embryonic stem cell line assay of drug response and survival, demonstrate that this nucleotide substitution is non-functional(Huang H et al. Nature. 2025 Feb;638(8050):528-537; Sahu S et al. Nature. 2025 Feb;638(8050):538-545). This amino acid position is highly conserved in available vertebrate species. In addition, this alteration is predicted to be deleterious by in silico analysis. This variant is considered to be rare based on population cohorts in the Genome Aggregation Database (gnomAD). Based on the majority of available evidence to date, this variant is likely to be pathogenic.

Breast Care Center, Daerim St. Mary`s Hospital
Classification: Likely pathogenic for Hereditary breast ovarian cancer syndrome. Last evaluated: 2024-08-29. Review status: criteria provided, single submitter. Criteria: ACMG Guidelines, 2015. Collection method: clinical testing. Allele origin: germline. Inheritance: Autosomal dominant inheritance. Affected: yes. Observed: 1 heterozygote. Not counted in ClinVar's aggregate classification.
Comment: This non-truncating, non-synonymous variant is located in a mutational hotspot and/or a critical, well-established functional domain within exon 18 of the BRCA2 gene. Different amino acid changes at this position (c.8165C>A, c.8165C>G) are known pathogenic variants. For this missense variant, multiple computational prediction tools consistently support a deleterious effect on the gene. This variant is not found in the gnomAD genomes or exomes database. Additionally, it was identified in two female breast cancer patients. Based on the available evidence, this variant is classified as pathogenic.

Department of Pathology and Laboratory Medicine, Sinai Health System
Classification: Likely pathogenic for Familial cancer of breast; Breast-ovarian cancer, familial, susceptibility to, 2. Last evaluated: 2022-09-14. Review status: criteria provided, single submitter. Criteria: ACMG Guidelines, 2015. Collection method: clinical testing. Allele origin: germline. Affected: yes. Not counted in ClinVar's aggregate classification.

Cancer Molecular Diagnostics Core, Tianjin Medical University Cancer Institute and Hospital
Classification: Uncertain significance for Breast cancer, susceptibility to. Last evaluated: 2018-03-25. Review status: criteria provided, single submitter. Criteria: ACMG Guidelines, 2015. Collection method: research. Allele origin: germline. Affected: yes. Observed: 1 variant allele. Not counted in ClinVar's aggregate classification.

Juno Genomics, Hangzhou Juno Genomics, Inc
Classification: Likely pathogenic for Familial cancer of breast; Breast-ovarian cancer, familial, susceptibility to, 2; Glioma susceptibility 3; Medulloblastoma; Pancreatic cancer, susceptibility to, 2; Familial prostate cancer; Fanconi anemia complementation group D1; Wilms tumor 1. Review status: criteria provided, single submitter. Criteria: ACMG Guidelines, 2015. Collection method: clinical testing. Allele origin: germline. Not counted in ClinVar's aggregate classification.
Comment: Absent from controls (or at extremely low frequency if recessive) in Genome Aggregation Database.;Well-established in vitro or in vivo functional studies supportive of a damaging effect on the gene or gene product.;Novel missense change at an amino acid residue where a different missense change determined to be pathogenic has been seen before.;The prevalence of the variant in affected individuals is significantly increased compared to the prevalence in controls.

Literature cited by the submitters: PubMed 28111427 (cited by 3 submitters); PubMed 30039884 (cited by Labcorp Genetics (formerly Invitae), Labcorp and Department of Pathology and Laboratory Medicine, Sinai Health System); PubMed 34645131 (cited by Labcorp Genetics (formerly Invitae), Labcorp and Ambry Genetics); PubMed 33609447 (cited by Labcorp Genetics (formerly Invitae), Labcorp and Ambry Genetics); PubMed 12145750 (cited by Labcorp Genetics (formerly Invitae), Labcorp); PubMed 18451181 (cited by Labcorp Genetics (formerly Invitae), Labcorp); PubMed 18607349 (cited by Labcorp Genetics (formerly Invitae), Labcorp); PubMed 23108138 (cited by Labcorp Genetics (formerly Invitae), Labcorp); PubMed 25146914 (cited by Labcorp Genetics (formerly Invitae), Labcorp); PubMed 12228710 (cited by Ambry Genetics); PubMed 30415210 (cited by Ambry Genetics); PubMed 39779848 (cited by Ambry Genetics); PubMed 39779857 (cited by Ambry Genetics); PubMed 33471991 (cited by Department of Pathology and Laboratory Medicine, Sinai Health System).

NM_000059.4(BRCA2):c.8165C>T (p.Thr2722Ile)

Gene: BRCA2 (BRCA2 DNA repair associated; plus strand). Cytogenetic location: 13q13.1.
Variant type: single nucleotide variant.
Coding change: c.8165C>T on transcript NM_000059.4 (MANE Select); coding-DNA position 8165, C replaced by T.
Protein change: p.Thr2722Ile; replaces threonine 2722 with isoleucine.
Molecular consequence: missense variant.
Genome position (GRCh38, 1-based): chr13:32,363,367, C>T. VCF-style: chr13-32363367-C-T. GRCh37 (hg19) VCF-style: chr13-32937504-C-T.
Other names: NM_000059.4(BRCA2):c.8165C>T; p.Thr2722Ile; short protein forms T2722I.
Identifiers: ClinVar variation 545487 (VCV000545487.21), dbSNP rs80359062, ClinGen allele CA387749581.